The following is an entry in ClinVar:

NM_133261.3(GIPC3):c.781G>A (p.Glu261Lys)

Gene: GIPC3 (GIPC PDZ domain containing family member 3; plus strand). Cytogenetic location: 19p13.3.
Variant type: single nucleotide variant.
Coding change: c.781G>A on transcript NM_133261.3 (MANE Select); coding-DNA position 781, G replaced by A.
Protein change: p.Glu261Lys; replaces glutamic acid 261 with lysine.
Molecular consequence: missense variant.
Genome position (GRCh38, 1-based): chr19:3,589,906, G>A. VCF-style: chr19-3589906-G-A. GRCh37 (hg19) VCF-style: chr19-3589904-G-A.
Other names: c.781G>A, p.Glu261Lys (NM_001411144.1); c.781G>A (NM_133261.2); short protein forms E261K.
Identifiers: ClinVar variation 2066723 (VCV002066723.6), dbSNP rs570485115, ClinGen allele CA9080549.

ClinVar aggregate classification (germline): Uncertain significance. Review status: criteria provided, multiple submitters, no conflicts (2 of 4 stars). 3 submissions from 3 submitters: Uncertain significance (3). Last evaluated 2025-07-13.

Conditions:
Inborn genetic diseases. Identifiers: MedGen C0950123, MeSH D030342.

Allele frequency attached by ClinVar (database versions not stated): gnomAD 0.00002; TOPMed 0.00004; ExAC 0.00006; gnomAD exomes 0.00006.

Submissions (3):

Ambry Genetics
Classification: Uncertain significance for Inborn genetic diseases. Last evaluated: 2025-07-13. Review status: criteria provided, single submitter. Criteria: Ambry Variant Classification Scheme 2023. Collection method: clinical testing. Allele origin: germline.

Labcorp Genetics (formerly Invitae), Labcorp
Classification: Uncertain significance. Last evaluated: 2025-03-19. Review status: criteria provided, single submitter. Criteria: Invitae Variant Classification Sherloc (09022015). Collection method: clinical testing. Allele origin: germline.
Comment: This sequence change replaces glutamic acid, which is acidic and polar, with lysine, which is basic and polar, at codon 261 of the GIPC3 protein (p.Glu261Lys). This variant is present in population databases (rs570485115, gnomAD 0.007%). This variant has not been reported in the literature in individuals affected with GIPC3-related conditions. ClinVar contains an entry for this variant (Variation ID: 2066723). Invitae Evidence Modeling of protein sequence and biophysical properties (such as structural, functional, and spatial information, amino acid conservation, physicochemical variation, residue mobility, and thermodynamic stability) has been performed for this missense variant. However, the output from this modeling did not meet the statistical confidence thresholds required to predict the impact of this variant on GIPC3 protein function. In summary, the available evidence is currently insufficient to determine the role of this variant in disease. Therefore, it has been classified as a Variant of Uncertain Significance.

Blueprint Genetics
Classification: Uncertain significance. Last evaluated: 2023-12-15. Review status: criteria provided, single submitter. Criteria: ACMG Guidelines, 2015. Collection method: clinical testing. Allele origin: germline.